The following is an entry in ClinVar:

NM_018896.5(CACNA1G):c.5960C>A (p.Thr1987Lys)

Gene: CACNA1G (calcium voltage-gated channel subunit alpha1 G; plus strand). Cytogenetic location: 17q21.33.
Variant type: single nucleotide variant.
Coding change: c.5960C>A on transcript NM_018896.5 (MANE Select); coding-DNA position 5960, C replaced by A.
Protein change: p.Thr1987Lys; replaces threonine 1987 with lysine.
Molecular consequence: missense variant. On other transcripts: intron variant (24).
Genome position (GRCh38, 1-based): chr17:50,621,694, C>A. VCF-style: chr17-50621694-C-A. GRCh37 (hg19) VCF-style: chr17-48699055-C-A.
Other names: c.5927C>A, p.Thr1976Lys (NM_198377.3); c.5747C>A, p.Thr1916Lys (NM_198383.3); c.5858C>A, p.Thr1953Lys (NM_198396.3); c.5803-2213C>A (NM_001256325.2); c.5892+1868C>A (NM_198380.3); c.5749-2213C>A (NM_198378.3, NM_001256334.2); c.5925+1868C>A (NM_198385.3); c.5782-2213C>A (NM_198384.3, NM_001256333.2); and 16 more; short protein forms T1916K, T1953K, T1976K, T1987K.
Identifiers: ClinVar variation 1694852 (VCV001694852.34), dbSNP rs201565895, ClinGen allele CA8653536.

ClinVar aggregate classification (germline): Benign/Likely benign. Review status: criteria provided, multiple submitters, no conflicts (2 of 4 stars). 4 submissions from 4 submitters: Benign (1); Likely benign (3). Last evaluated 2025-03-07.

Conditions:
CACNA1G-related disorder. Also called: CACNA1G-related condition; CACNA1G-related disorders.

gnomAD v4.1: 162 of 1,613,856 alleles (0.01%); highest among the groups gnomAD compares: Middle Eastern, 0.3%; 2 homozygotes.

Submissions (4):

PreventionGenetics, part of Exact Sciences
Classification: Likely benign for CACNA1G-related condition. Last evaluated: 2025-03-07. Review status: criteria provided, single submitter. Criteria: ACMG Guidelines, 2015. Collection method: clinical testing. Allele origin: germline.
Comment: This variant is classified as likely benign based on ACMG/AMP sequence variant interpretation guidelines (Richards et al. 2015 PMID: 25741868, with internal and published modifications).

Laboratory of Genetics, Children's Clinical University Hospital Latvia
Classification: Likely benign. Last evaluated: 2025-02-16. Review status: criteria provided, single submitter. Criteria: ACMG Guidelines, 2015. Collection method: clinical testing. Allele origin: germline. Affected: yes.

CeGaT Center for Human Genetics Tuebingen
Classification: Benign. Last evaluated: 2024-09-01. Review status: criteria provided, single submitter. Criteria: CeGaT Center For Human Genetics Tuebingen Variant Classification Criteria Version 2. Collection method: clinical testing. Allele origin: germline. Affected: yes. Observed: 3 variant alleles.
Comment: CACNA1G: BS1, BS2

Blueprint Genetics
Classification: Likely benign. Last evaluated: 2023-10-06. Review status: criteria provided, single submitter. Criteria: ACMG Guidelines, 2015. Collection method: clinical testing. Allele origin: germline.